The following is an entry in ClinVar:

ClinVar aggregate classification (germline): Uncertain significance (1 of 4 stars; one submission).

gnomAD v4.1: 1 of 398,652 alleles (0.00025%); highest among the groups gnomAD compares: Non-Finnish European, 0.00044%; no homozygotes.

Submission:

CeGaT Center for Human Genetics Tuebingen
Classification: Uncertain significance. Last evaluated: 2026-04-01. Review status: criteria provided, single submitter. Criteria: CeGaT Center For Human Genetics Tuebingen Variant Classification Criteria Version 2. Collection method: clinical testing. Allele origin: germline. Affected: yes. Observed: 1 variant allele.
Comment: CIC: PM2, BP4

NM_001386298.1(CIC):c.1995C>T (p.Ala665=)

Gene: CIC (capicua transcriptional repressor; plus strand). Cytogenetic location: 19q13.2.
Variant type: single nucleotide variant.
Coding change: c.1995C>T on transcript NM_001386298.1 (MANE Select); coding-DNA position 1995, C replaced by T.
Protein change: p.Ala665=; no amino-acid change (alanine 665 retained).
Molecular consequence: synonymous variant.
Genome position (GRCh38, 1-based): chr19:42,273,778, C>T. VCF-style: chr19-42273778-C-T. GRCh37 (hg19) VCF-style: chr19-42777930-C-T.
Other names: c.1995C>T, p.Ala665= (NM_001304815.2, NM_001379480.1, NM_001379482.1 and 6 more transcripts).
Identifiers: ClinVar variation 4873721 (VCV004873721.2).